The following is an entry in ClinVar:

ClinVar aggregate classification (germline): Uncertain significance. Review status: criteria provided, multiple submitters, no conflicts (2 of 4 stars). 6 submissions from 6 submitters: Uncertain significance (4). 2 of the submissions do not count toward it. Last evaluated 2026-03-20.

Conditions:
MYPN-related disorder. Also called: MYPN-related condition.
Cardiovascular phenotype. Identifiers: MedGen CN230736.
MYPN-related myopathy (CMYO24). Also called: Nemaline myopathy 11, autosomal recessive. Identifiers: MedGen C4479186, MONDO:0015023, OMIM 617336.
Dilated cardiomyopathy 1KK (CMD1KK). Identifiers: Orphanet 154, Orphanet 75249, MedGen C3714995, MONDO:0014100, OMIM 615248.

Allele frequency attached by ClinVar (database versions not stated): ExAC 0.00001; gnomAD exomes 0.00001 and 0.00002; gnomAD 0.00003; TOPMed 0.00007.
gnomAD v4.1: 14 of 1,613,980 alleles (0.00087%); highest among the groups gnomAD compares: African/African-American, 0.0053%; no homozygotes.

Submissions (6):

PreventionGenetics, part of Exact Sciences
Classification: Uncertain significance for MYPN-related condition. Last evaluated: 2026-03-20. Review status: criteria provided, single submitter. Criteria: ACMG Guidelines, 2015. Collection method: clinical testing. Allele origin: germline.
Comment: The MYPN c.2644G>A variant is predicted to result in the amino acid substitution p.Ala882Thr. This variant has been reported in an individual with dilated cardiomyopathy who had a family history of the disorder (Purevjav et al. 2012. PubMed ID: 22286171) and in an individual from a sudden unexplained death cohort (Table S3, Lin et al. 2017. PubMed ID: 29247119). This variant is reported in 0.0080% of alleles in individuals of African descent in gnomAD. At this time, the clinical significance of this variant is uncertain due to the absence of conclusive functional and genetic evidence.

Ambry Genetics
Classification: Uncertain significance for Cardiovascular phenotype. Last evaluated: 2022-12-20. Review status: criteria provided, single submitter. Criteria: Ambry General Variant Classification Scheme_2022. Collection method: clinical testing. Allele origin: germline.
Comment: The p.A882T variant (also known as c.2644G>A), located in coding exon 11 of the MYPN gene, results from a G to A substitution at nucleotide position 2644. The alanine at codon 882 is replaced by threonine, an amino acid with similar properties. This alteration co-occurred with a second MYPN variant and an MYH7 variant in a proband with dilated cardiomyopathy (DCM) whose sibling, also with DCM, had the same MYH7 variant as the proband and a different MYPN variant (Purevjav E et al. Hum Mol Genet. 2012;21:2039-53). This alteration was also detected in a sudden unexplained death cohort (Lin Y et al. Circ Cardiovasc Genet, 2017 Dec;10). This amino acid position is not well conserved in available vertebrate species. In addition, this alteration is predicted to be tolerated by in silico analysis. Since supporting evidence is limited at this time, the clinical significance of this alteration remains unclear.

Labcorp Genetics (formerly Invitae), Labcorp
Classification: Uncertain significance for Dilated cardiomyopathy 1KK. Last evaluated: 2022-07-26. Review status: criteria provided, single submitter. Criteria: Invitae Variant Classification Sherloc (09022015). Collection method: clinical testing. Allele origin: germline.
Comment: This sequence change replaces alanine, which is neutral and non-polar, with threonine, which is neutral and polar, at codon 882 of the MYPN protein (p.Ala882Thr). This variant is present in population databases (rs199476411, gnomAD 0.008%). This missense change has been observed in individual(s) with dilated cardiomyopathy (PMID: 22286171). ClinVar contains an entry for this variant (Variation ID: 31821). Algorithms developed to predict the effect of missense changes on protein structure and function output the following: SIFT: "Tolerated"; PolyPhen-2: "Benign"; Align-GVGD: "Class C0". The threonine amino acid residue is found in multiple mammalian species, which suggests that this missense change does not adversely affect protein function. In summary, the available evidence is currently insufficient to determine the role of this variant in disease. Therefore, it has been classified as a Variant of Uncertain Significance.

Fulgent Genetics
Classification: Uncertain significance for Dilated cardiomyopathy 1KK; MYPN-related myopathy. Last evaluated: 2021-08-13. Review status: criteria provided, single submitter. Criteria: ACMG Guidelines, 2015. Collection method: clinical testing. Allele origin: unknown.

ClinVar Staff, National Center for Biotechnology Information (NCBI)
Classification: Uncertain significance for Dilated cardiomyopathy 1KK. Last evaluated: 2013-06-27. Review status: no assertion criteria provided. Collection method: literature only. Allele origin: germline. Affected: yes. Not counted in ClinVar's aggregate classification.

Leiden Muscular Dystrophy (MYPN)
No classification provided. Last evaluated: 2012-04-27. Review status: no classification provided. Collection method: curation. Allele origin: germline. Not counted in ClinVar's aggregate classification.

Literature cited by the submitters: PubMed 22286171 (cited by 3 submitters); PubMed 29247119 (cited by Ambry Genetics).

NM_032578.4(MYPN):c.2644G>A (p.Ala882Thr)

Gene: MYPN (myopalladin; plus strand). Cytogenetic location: 10q21.3.
Variant type: single nucleotide variant.
Coding change: c.2644G>A on transcript NM_032578.4 (MANE Select); coding-DNA position 2644, G replaced by A.
Protein change: p.Ala882Thr; replaces alanine 882 with threonine.
Molecular consequence: missense variant. On other transcripts: non-coding transcript variant (1).
Genome position (GRCh38, 1-based): chr10:68,175,402, G>A. VCF-style: chr10-68175402-G-A. GRCh37 (hg19) VCF-style: chr10-69935159-G-A.
Other names: c.2644G>A (LRG_410t1); c.2644G>A, p.Ala882Thr (NM_001256267.2); c.1762G>A, p.Ala588Thr (NM_001256268.2); short protein forms A882T, A588T.
Identifiers: ClinVar variation 31821 (VCV000031821.11), dbSNP rs199476411, ClinGen allele CA215344.